The following is an entry in ClinVar:

ClinVar aggregate classification (germline): Uncertain significance (1 of 4 stars; one submission).

Allele frequency attached by ClinVar (database versions not stated): gnomAD exomes below 0.00001; ExAC 0.00001; gnomAD 0.00001.

Submission:

Labcorp Genetics (formerly Invitae), Labcorp
Classification: Uncertain significance. Last evaluated: 2025-10-11. Review status: criteria provided, single submitter. Criteria: Invitae Variant Classification Sherloc (09022015). Collection method: clinical testing. Allele origin: germline.
Comment: This sequence change replaces valine, which is neutral and non-polar, with isoleucine, which is neutral and non-polar, at codon 1385 of the COL4A1 protein (p.Val1385Ile). This variant is present in population databases (rs767886345, gnomAD 0.003%). This variant has not been reported in the literature in individuals affected with COL4A1-related conditions. ClinVar contains an entry for this variant (Variation ID: 2057596). An algorithm developed to predict the effect of missense changes on protein structure and function (PolyPhen-2) suggests that this variant is likely to be tolerated. In summary, the available evidence is currently insufficient to determine the role of this variant in disease. Therefore, it has been classified as a Variant of Uncertain Significance.

NM_001845.6(COL4A1):c.4153G>A (p.Val1385Ile)

Gene: COL4A1 (collagen type IV alpha 1 chain; minus strand). Cytogenetic location: 13q34.
Variant type: single nucleotide variant.
Coding change: c.4153G>A on transcript NM_001845.6 (MANE Select); coding-DNA position 4153, G replaced by A.
Protein change: p.Val1385Ile; replaces valine 1385 with isoleucine.
Molecular consequence: missense variant.
Genome position (GRCh38, 1-based): chr13:110,163,559, C>T on the plus strand (G>A on the coding strand, the complement: COL4A1 is on the minus strand). VCF-style: chr13-110163559-C-T. GRCh37 (hg19) VCF-style: chr13-110815906-C-T.
Other names: short protein forms V1385I.
Identifiers: ClinVar variation 2057596 (VCV002057596.4), dbSNP rs767886345, ClinGen allele CA7046997.